The following is an entry in ClinVar:

NM_001035.3(RYR2):c.9772C>T (p.Pro3258Ser)

Gene: RYR2 (ryanodine receptor 2; plus strand). Cytogenetic location: 1q43.
Variant type: single nucleotide variant.
Coding change: c.9772C>T on transcript NM_001035.3 (MANE Select); coding-DNA position 9772, C replaced by T.
Protein change: p.Pro3258Ser; replaces proline 3258 with serine.
Molecular consequence: missense variant.
Genome position (GRCh38, 1-based): chr1:237,707,140, C>T. VCF-style: chr1-237707140-C-T. GRCh37 (hg19) VCF-style: chr1-237870440-C-T.
Other names: c.9772C>T, p.Pro3258Ser (LRG_402t1); short protein forms P3258S.
Identifiers: ClinVar variation 404211 (VCV000404211.53), dbSNP rs368028300, ClinGen allele CA087955.
Genomic context (GRCh38, chr1:237,707,140, plus strand): 5'-ATACTGCCCATGCTTTGCAGCTACATGTCTCGTTGGTGGGAGCATGGACCTGAGAACAAT[C>T]CAGAACGGGCCGAGATGTGCTGCACAGCCCTGAACTCAGAGCACATGAACACACTTCTAG-3'
Protein context (NP_001026.2, residues 3248-3268): RWWEHGPENN[Pro3258Ser]ERAEMCCTAL

ClinVar aggregate classification (germline): Conflicting classifications of pathogenicity. Review status: criteria provided, conflicting classifications (1 of 4 stars). 2 submissions from 2 submitters: Uncertain significance (1); Likely benign (1). Last evaluated 2024-11-26.

Conditions:
Cardiomyopathy (CMYO). Also called: Cardiomyopathies. Identifiers: Orphanet 167848, MedGen C0878544, MONDO:0004994, HP:0001638. Inheritance: Various modes of inheritance.
Catecholaminergic polymorphic ventricular tachycardia 1. Also called: VENTRICULAR TACHYCARDIA, CATECHOLAMINERGIC POLYMORPHIC, 1, WITH OR WITHOUT ATRIAL DYSFUNCTION AND/OR DILATED CARDIOMYOPATHY; RYR2-Related Catecholaminergic Polymorphic Ventricular Tachycardia; VENTRICULAR TACHYCARDIA, STRESS-INDUCED POLYMORPHIC 1. Identifiers: Orphanet 3286, MedGen C1631597, MONDO:0011484, OMIM 604772.

Allele frequency attached by ClinVar (database versions not stated): gnomAD exomes 0.00001; TOPMed 0.00001; ExAC 0.00002; ESP Exome Variant Server 0.00016.
gnomAD v4.1: 23 of 1,613,700 alleles (0.0014%); highest among the groups gnomAD compares: Non-Finnish European, 0.0016%; no homozygotes.

Submissions (2):

Color Diagnostics, LLC DBA Color Health
Classification: Likely benign for Cardiomyopathy. Last evaluated: 2024-11-26. Review status: criteria provided, single submitter. Criteria: ACMG Guidelines, 2015. Collection method: clinical testing. Allele origin: germline.

Labcorp Genetics (formerly Invitae), Labcorp
Classification: Uncertain significance for Catecholaminergic polymorphic ventricular tachycardia 1. Last evaluated: 2024-04-17. Review status: criteria provided, single submitter. Criteria: Invitae Variant Classification Sherloc (09022015). Collection method: clinical testing. Allele origin: germline.
Comment: This sequence change replaces proline, which is neutral and non-polar, with serine, which is neutral and polar, at codon 3258 of the RYR2 protein (p.Pro3258Ser). This variant is present in population databases (rs368028300, gnomAD 0.003%). This variant has not been reported in the literature in individuals affected with RYR2-related conditions. ClinVar contains an entry for this variant (Variation ID: 404211). Advanced modeling of protein sequence and biophysical properties (such as structural, functional, and spatial information, amino acid conservation, physicochemical variation, residue mobility, and thermodynamic stability) performed at Invitae indicates that this missense variant is not expected to disrupt RYR2 protein function with a negative predictive value of 95%. In summary, the available evidence is currently insufficient to determine the role of this variant in disease. Therefore, it has been classified as a Variant of Uncertain Significance.